The following is an entry in ClinVar:

ClinVar aggregate classification (germline): Uncertain significance (1 of 4 stars; one submission).

Conditions:
Fanconi anemia complementation group T. Identifiers: Orphanet 84, MedGen C4084840, MONDO:0014638, OMIM 616435.

gnomAD v4.1: 1 of 151,556 alleles (0.00066%); no homozygotes.

Submission:

Laboratorio de Genetica e Diagnostico Molecular, Hospital Israelita Albert Einstein
Classification: Uncertain significance for Fanconi anemia complementation group T. Last evaluated: 2025-02-28. Review status: criteria provided, single submitter. Criteria: ACMG Guidelines, 2015. Collection method: clinical testing. Allele origin: germline. Affected: yes.
Comment: ACMG classification criteria: PM2 supporting

NM_014176.4(UBE2T):c.-65+1729G>A

Gene: UBE2T (ubiquitin conjugating enzyme E2 T; minus strand). Cytogenetic location: 1q32.1.
Variant type: single nucleotide variant.
Coding change: c.-65+1729G>A on transcript NM_014176.4 (MANE Select); 1729 bases into the intron after 65 bases upstream of the start codon, G replaced by A.
Molecular consequence: intron variant.
Genome position (GRCh38, 1-based): chr1:202,340,166, C>T on the plus strand (G>A on the coding strand, the complement: UBE2T is on the minus strand). VCF-style: chr1-202340166-C-T. GRCh37 (hg19) VCF-style: chr1-202309294-C-T.
Other names: c.-159+1729G>A (NM_001310326.2).
Identifiers: ClinVar variation 4076287 (VCV004076287.1).